The following is an entry in ClinVar:

ClinVar aggregate classification (germline): Uncertain significance (1 of 4 stars; one submission).

Conditions:
Adams-Oliver syndrome 4 (AOS4). Identifiers: Orphanet 974, MedGen C3809092, MONDO:0014124, OMIM 615297.

Allele frequency attached by ClinVar (database versions not stated): TOPMed below 0.00001; gnomAD 0.00001; gnomAD exomes 0.00001.
gnomAD v4.1: 6 of 1,613,682 alleles (0.00037%); highest among the groups gnomAD compares: Non-Finnish European, 0.00051%; no homozygotes.

Submission:

Labcorp Genetics (formerly Invitae), Labcorp
Classification: Uncertain significance for Adams-Oliver syndrome 4. Last evaluated: 2023-11-13. Review status: criteria provided, single submitter. Criteria: Invitae Variant Classification Sherloc (09022015). Collection method: clinical testing. Allele origin: germline.
Comment: This sequence change replaces histidine, which is basic and polar, with tyrosine, which is neutral and polar, at codon 427 of the EOGT protein (p.His427Tyr). This variant is not present in population databases (gnomAD no frequency). This variant has not been reported in the literature in individuals affected with EOGT-related conditions. ClinVar contains an entry for this variant (Variation ID: 1953101). Advanced modeling of protein sequence and biophysical properties (such as structural, functional, and spatial information, amino acid conservation, physicochemical variation, residue mobility, and thermodynamic stability) performed at Invitae indicates that this missense variant is not expected to disrupt EOGT protein function with a negative predictive value of 80%. In summary, the available evidence is currently insufficient to determine the role of this variant in disease. Therefore, it has been classified as a Variant of Uncertain Significance.

NM_001278689.2(EOGT):c.1531C>T (p.His511Tyr)

Gene: EOGT (EGF domain specific O-linked N-acetylglucosamine transferase; minus strand). Cytogenetic location: 3p14.1.
Variant type: single nucleotide variant.
Coding change: c.1531C>T on transcript NM_001278689.2 (MANE Select); coding-DNA position 1531, C replaced by T.
Protein change: p.His511Tyr; replaces histidine 511 with tyrosine.
Molecular consequence: missense variant. On other transcripts: non-coding transcript variant (1).
Genome position (GRCh38, 1-based): chr3:68,977,671, G>A on the plus strand (C>T on the coding strand, the complement: EOGT is on the minus strand). VCF-style: chr3-68977671-G-A. GRCh37 (hg19) VCF-style: chr3-69026822-G-A.
Other names: c.1279C>T, p.His427Tyr (NM_173654.3); short protein forms H427Y, H511Y.
Identifiers: ClinVar variation 1953101 (VCV001953101.4), dbSNP rs2090509881, ClinGen allele CA353465117.